The following is an entry in ClinVar:

ClinVar aggregate classification (germline): Likely benign (0 of 4 stars; one submission).

Conditions:
GFM2-related disorder. Also called: GFM2-related condition.

Allele frequency attached by ClinVar (database versions not stated): ExAC 0.00008; 1000 Genomes Project 0.00020; 1000 Genomes Project 30x 0.00047.
gnomAD v4.1: 101 of 1,610,846 alleles (0.0063%); highest among the groups gnomAD compares: Middle Eastern, 0.017%; no homozygotes.

Submission:

PreventionGenetics, part of Exact Sciences
Classification: Likely benign for GFM2-related condition. Last evaluated: 2020-05-11. Review status: no assertion criteria provided. Collection method: clinical testing. Allele origin: germline.
Comment: This variant is classified as likely benign based on ACMG/AMP sequence variant interpretation guidelines (Richards et al. 2015 PMID: 25741868, with internal and published modifications).

NM_032380.5(GFM2):c.1510+36G>A

Gene: GFM2 (GTP dependent ribosome recycling factor mitochondrial 2; minus strand). Cytogenetic location: 5q13.3.
Variant type: single nucleotide variant.
Coding change: c.1510+36G>A on transcript NM_032380.5 (MANE Select); 36 bases into the intron after coding-DNA position 1510, G replaced by A.
Molecular consequence: intron variant. On other transcripts: 3 prime UTR variant (1).
Genome position (GRCh38, 1-based): chr5:74,736,760, C>T on the plus strand (G>A on the coding strand, the complement: GFM2 is on the minus strand). VCF-style: chr5-74736760-C-T. GRCh37 (hg19) VCF-style: chr5-74032585-C-T.
Other names: c.*4G>A (NM_170681.3); c.1369+36G>A (NM_170691.3); c.1606+36G>A (NM_001281302.2).
Identifiers: ClinVar variation 3055094 (VCV003055094.2), dbSNP rs369800782, ClinGen allele CA3306514.